The following is an entry in ClinVar:

ClinVar aggregate classification (germline): Uncertain significance (1 of 4 stars; one submission).

Conditions:
Primary immunodeficiency with post-measles-mumps-rubella vaccine viral infection. Also called: Immunodeficiency 44. Identifiers: Orphanet 431166, MedGen C4225260, MONDO:0014715, OMIM 616636.

Allele frequency attached by ClinVar (database versions not stated): gnomAD exomes below 0.00001; gnomAD 0.00001; TOPMed 0.00001.
gnomAD v4.1: 5 of 1,613,748 alleles (0.00031%); highest among the groups gnomAD compares: East Asian, 0.0022%; no homozygotes.

Submission:

Baylor Genetics
Classification: Uncertain significance for Primary immunodeficiency with post-measles-mumps-rubella vaccine viral infection. Last evaluated: 2018-11-03. Review status: criteria provided, single submitter. Criteria: ACMG Guidelines, 2015. Collection method: clinical testing. Allele origin: maternal. Affected: yes.
Comment: This variant was determined to be of uncertain significance according to ACMG Guidelines, 2015 [PMID:25741868].

NM_005419.4(STAT2):c.2045-9T>G

Gene: STAT2 (signal transducer and activator of transcription 2; minus strand). Cytogenetic location: 12q13.3.
Variant type: single nucleotide variant.
Coding change: c.2045-9T>G on transcript NM_005419.4 (MANE Select); 9 bases into the intron before coding-DNA position 2045, T replaced by G.
Molecular consequence: intron variant.
Genome position (GRCh38, 1-based): chr12:56,346,212, A>C on the plus strand (T>G on the coding strand, the complement: STAT2 is on the minus strand). VCF-style: chr12-56346212-A-C. GRCh37 (hg19) VCF-style: chr12-56739996-A-C.
Other names: c.2012-9T>G (NM_001385110.1); c.2003-9T>G (NM_001385115.1); c.2033-9T>G (NM_198332.2); c.2024-9T>G (NM_001385114.1); c.1946-9T>G (NM_001385111.1); c.2045-9T>G (NM_001385113.1).
Identifiers: ClinVar variation 1032995 (VCV001032995.1), dbSNP rs1291159527, ClinGen allele CA690202322.